The following is an entry in ClinVar:

NM_000038.6(APC):c.4124A>T (p.His1375Leu)

Gene: APC (APC regulator of Wnt signaling pathway; plus strand). Cytogenetic location: 5q22.2.
Variant type: single nucleotide variant.
Coding change: c.4124A>T on transcript NM_000038.6 (MANE Select); coding-DNA position 4124, A replaced by T.
Protein change: p.His1375Leu; replaces histidine 1375 with leucine.
Molecular consequence: missense variant.
Genome position (GRCh38, 1-based): chr5:112,839,718, A>T. VCF-style: chr5-112839718-A-T. GRCh37 (hg19) VCF-style: chr5-112175415-A-T.
Other names: c.4124A>T, p.His1375Leu (NM_001127510.3, NM_001354895.2, NM_001407450.1); c.4070A>T, p.His1357Leu (NM_001127511.3); c.4178A>T, p.His1393Leu (NM_001354896.2, NM_001407447.1, NM_001407448.1 and 1 more transcripts); c.4154A>T, p.His1385Leu (NM_001354897.2); c.4049A>T, p.His1350Leu (NM_001354898.2); c.4040A>T, p.His1347Leu (NM_001354899.2); c.4001A>T, p.His1334Leu (NM_001354900.2); c.3947A>T, p.His1316Leu (NM_001354901.2, NM_001407453.1); and 11 more; short protein forms H1215L, H1246L, H1249L, H1274L, H1334L, H1368L, H1375L, H1403L.
Identifiers: ClinVar variation 2009076 (VCV002009076.4), dbSNP rs750884499, ClinGen allele CA16030364.

ClinVar aggregate classification (germline): Uncertain significance (1 of 4 stars; one submission).

Conditions:
Familial adenomatous polyposis 1 (FAP1). Also called: FAMILIAL ADENOMATOUS POLYPOSIS 1, ATTENUATED; POLYPOSIS, ADENOMATOUS INTESTINAL. Identifiers: MedGen C2713442, MONDO:0021056, OMIM 175100. Disease mechanism: loss of function.

Submission:

Labcorp Genetics (formerly Invitae), Labcorp
Classification: Uncertain significance for Familial adenomatous polyposis 1. Last evaluated: 2022-06-22. Review status: criteria provided, single submitter. Criteria: Invitae Variant Classification Sherloc (09022015). Collection method: clinical testing. Allele origin: germline.
Comment: This sequence change replaces histidine, which is basic and polar, with leucine, which is neutral and non-polar, at codon 1375 of the APC protein (p.His1375Leu). This variant is not present in population databases (gnomAD no frequency). This variant has not been reported in the literature in individuals affected with APC-related conditions. Algorithms developed to predict the effect of missense changes on protein structure and function are either unavailable or do not agree on the potential impact of this missense change (SIFT: "Tolerated"; PolyPhen-2: "Probably Damaging"; Align-GVGD: "Class C0"). In summary, the available evidence is currently insufficient to determine the role of this variant in disease. Therefore, it has been classified as a Variant of Uncertain Significance.